The following is an entry in ClinVar:

NM_004444.5(EPHB4):c.581A>G (p.Tyr194Cys)

Gene: EPHB4 (EPH receptor B4; minus strand). Cytogenetic location: 7q22.1.
Variant type: single nucleotide variant.
Coding change: c.581A>G on transcript NM_004444.5 (MANE Select); coding-DNA position 581, A replaced by G.
Protein change: p.Tyr194Cys; replaces tyrosine 194 with cysteine.
Molecular consequence: missense variant.
Genome position (GRCh38, 1-based): chr7:100,822,498, T>C on the plus strand (A>G on the coding strand, the complement: EPHB4 is on the minus strand). VCF-style: chr7-100822498-T-C. GRCh37 (hg19) VCF-style: chr7-100420120-T-C.
Other names: short protein forms Y194C.
Identifiers: ClinVar variation 4018800 (VCV004018800.1).
Genomic context (GRCh38, chr7:100,822,498, plus strand): 5'-TCCCGAGGCACAGTCTCCGGGAATCGAGTCAGGTTCACAGTCAGCTGGGCGCACTTTTTG[T>C]AGAAGAGGTGCAGGGATAGCAGGGCCATGCAGGCACCCTGGTCCTGGAAGGCCAGGTAGA-3'
Protein context (NP_004435.3, residues 184-204): CMALLSLHLF[Tyr194Cys]KKCAQLTVNL

ClinVar aggregate classification (germline): Uncertain significance (1 of 4 stars; one submission).

Conditions:
Cardiovascular phenotype. Identifiers: MedGen CN230736.

Submission:

Ambry Genetics
Classification: Uncertain significance for Cardiovascular phenotype. Last evaluated: 2025-03-31. Review status: criteria provided, single submitter. Criteria: Ambry Variant Classification Scheme 2023. Collection method: clinical testing. Allele origin: germline.
Comment: The p.Y194C variant (also known as c.581A>G), located in coding exon 4 of the EPHB4 gene, results from an A to G substitution at nucleotide position 581. The tyrosine at codon 194 is replaced by cysteine, an amino acid with highly dissimilar properties. This amino acid position is conserved. In addition, this alteration is predicted to be tolerated by in silico analysis. Based on the available evidence, the clinical significance of this variant remains unclear.